The following is an entry in ClinVar:

NM_139319.3(SLC17A8):c.683A>G (p.Tyr228Cys)

Gene: SLC17A8 (solute carrier family 17 member 8; plus strand). Cytogenetic location: 12q23.1.
Variant type: single nucleotide variant.
Coding change: c.683A>G on transcript NM_139319.3 (MANE Select); coding-DNA position 683, A replaced by G.
Protein change: p.Tyr228Cys; replaces tyrosine 228 with cysteine.
Molecular consequence: missense variant.
Genome position (GRCh38, 1-based): chr12:100,401,783, A>G. VCF-style: chr12-100401783-A-G. GRCh37 (hg19) VCF-style: chr12-100795561-A-G.
Other names: c.683A>G, p.Tyr228Cys (NM_001145288.2); short protein forms Y228C.
Identifiers: ClinVar variation 3906539 (VCV003906539.1).
Genomic context (GRCh38, chr12:100,401,783, plus strand): 5'-TGAAAAGGCTTGCATGATGATTGGTCAGATTCCCTCAATCTTTTCTTGTTCCAGGTTCCT[A>G]TGCAGGGGCAGTGGTTGCCATGCCCCTGGCTGGGGTGTTGGTGCAGTACATTGGATGGTC-3'
Protein context (NP_647480.1, residues 218-238): RLATTSFCGS[Tyr228Cys]AGAVVAMPLA

ClinVar aggregate classification (germline): Uncertain significance (1 of 4 stars; one submission).

gnomAD v4.1: 9 of 1,613,384 alleles (0.00056%); highest among the groups gnomAD compares: South Asian, 0.0011%; no homozygotes.

Submission:

GeneDx
Classification: Uncertain significance. Last evaluated: 2024-12-16. Review status: criteria provided, single submitter. Criteria: GeneDx Variant Classification Process June 2021. Collection method: clinical testing. Allele origin: germline. Affected: yes.
Comment: In silico analysis supports that this missense variant has a deleterious effect on protein structure/function; Has not been previously published as pathogenic or benign to our knowledge